The following is an entry in ClinVar:

NM_001184880.2(PCDH19):c.2289-2A>G

Genes: PCDH19 (protocadherin 19; minus strand), LOC125467768 (CDK7 strongly-dependent group 2 enhancer GRCh37_chrX:99657381-99658580; plus strand). Cytogenetic location: Xq22.1.
Variant type: single nucleotide variant.
Coding change: c.2289-2A>G on transcript NM_001184880.2 (MANE Select); the canonical splice acceptor site of the intron before coding-DNA position 2289, A replaced by G.
Molecular consequence: splice acceptor variant.
Genome position (GRCh38, 1-based): chrX:100,402,853, T>C on the plus strand (A>G on the coding strand, the complement: PCDH19 is on the minus strand). VCF-style: chrX-100402853-T-C. GRCh37 (hg19) VCF-style: chrX-99657851-T-C.
Other names: c.2148-2A>G (NM_020766.3, NM_001105243.2).
Identifiers: ClinVar variation 859285 (VCV000859285.15), dbSNP rs1928233784, ClinGen allele CA414006493.
Genomic context (GRCh38, chrX:100,402,853, plus strand): 5'-TACTGATTTTTTTCTTCTTGCTTGATTTCTTTTGATGCCCATAGGAGTACTCAGCAATTC[T>C]ATGTGACAGAAAAGGCAGCATGAATCACTAACACCCTCCCAAATCATGCACTGATTAATA-3'

ClinVar aggregate classification (germline): Conflicting classifications of pathogenicity. Review status: criteria provided, conflicting classifications (1 of 4 stars). 2 submissions from 2 submitters: Likely pathogenic (1); Uncertain significance (1). Last evaluated 2020-05-04.

Conditions:
Developmental and epileptic encephalopathy, 9 (DEE9). Also called: Early infantile epileptic encephalopathy 9; EPILEPSY, FEMALE-RESTRICTED, WITH MENTAL RETARDATION; JUBERG-HELLMAN SYNDROME; PCDH19-Related X-Linked Female-Limited Epilepsy with Mental Retardation. Identifiers: Orphanet 101039, Orphanet 2076, MedGen C1848137, MONDO:0010246, OMIM 300088. Disease mechanism: loss of function.

Submissions (2):

Labcorp Genetics (formerly Invitae), Labcorp
Classification: Uncertain significance for Developmental and epileptic encephalopathy, 9. Last evaluated: 2020-05-04. Review status: criteria provided, single submitter. Criteria: Invitae Variant Classification Sherloc (09022015). Collection method: clinical testing. Allele origin: germline.
Comment: This variant has not been reported in the literature in individuals with PCDH19-related conditions, but it has been observed in several unaffected females (Invitae). ClinVar contains an entry for this variant (variation ID: 859285). Algorithms developed to predict the effect of sequence changes on RNA splicing suggest that this variant may disrupt the consensus splice site, but this prediction has not been confirmed by published transcriptional studies. Donor and acceptor splice site variants typically lead to a loss of protein function (PMID: 16199547), and loss-of-function variants in PCDH19 are known to be pathogenic (PMID: 21053371). In summary, the available evidence is currently insufficient to determine the role of this variant in disease. Therefore, it has been classified as a Variant of Uncertain Significance. This variant is not present in population databases (ExAC no frequency). This sequence change affects an acceptor splice site in intron 2 of the PCDH19 gene. It is expected to disrupt RNA splicing and likely results in an absent or disrupted protein product.

Athena Diagnostics
Classification: Likely pathogenic. Last evaluated: 2019-08-29. Review status: criteria provided, single submitter. Criteria: Athena Diagnostics Criteria. Collection method: clinical testing. Allele origin: unknown.
Comment: The variant disrupts a canonical splice site, and is therefore predicted to result in the loss of a functional protein. Not found in the total gnomAD dataset, and the data is high quality.

Literature cited by the submitters: PubMed 16199547 (cited by Labcorp Genetics (formerly Invitae), Labcorp); PubMed 21053371 (cited by Labcorp Genetics (formerly Invitae), Labcorp).